The following is an entry in ClinVar:

ClinVar aggregate classification (germline): Uncertain significance (1 of 4 stars; one submission).

Conditions:
Immunodeficiency 104. Also called: Severe combined immunodeficiency, autosomal recessive, T cell-negative, B cell-positive, NK cell-positive; SCID, AUTOSOMAL RECESSIVE, T CELL-NEGATIVE, B CELL-POSITIVE, NK CELL-POSITIVE; IMMUNODEFICIENCY 104, SEVERE COMBINED; Severe Combined Immune Deficiency, Autosomal Recessive, TCell -Negative, B Cell-Positive, NK Cell-Positive, IL7R-Related. Identifiers: MedGen C5676890, MONDO:0012163, OMIM 608971.

Allele frequency attached by ClinVar (database versions not stated): gnomAD 0.00001; TOPMed 0.00001; ExAC 0.00002.
gnomAD v4.1: 9 of 1,614,062 alleles (0.00056%); highest among the groups gnomAD compares: Non-Finnish European, 0.00068%; no homozygotes.

Submission:

Labcorp Genetics (formerly Invitae), Labcorp
Classification: Uncertain significance for Immunodeficiency 104. Last evaluated: 2022-05-22. Review status: criteria provided, single submitter. Criteria: Invitae Variant Classification Sherloc (09022015). Collection method: clinical testing. Allele origin: germline.
Comment: This sequence change replaces cysteine, which is neutral and slightly polar, with phenylalanine, which is neutral and non-polar, at codon 369 of the IL7R protein (p.Cys369Phe). This variant is present in population databases (rs758381888, gnomAD 0.003%). This variant has not been reported in the literature in individuals affected with IL7R-related conditions. Advanced modeling of protein sequence and biophysical properties (such as structural, functional, and spatial information, amino acid conservation, physicochemical variation, residue mobility, and thermodynamic stability) performed at Invitae indicates that this missense variant is not expected to disrupt IL7R protein function. In summary, the available evidence is currently insufficient to determine the role of this variant in disease. Therefore, it has been classified as a Variant of Uncertain Significance.

NM_002185.5(IL7R):c.1106G>T (p.Cys369Phe)

Gene: IL7R (interleukin 7 receptor; plus strand). Cytogenetic location: 5p13.2.
Variant type: single nucleotide variant.
Coding change: c.1106G>T on transcript NM_002185.5 (MANE Select); coding-DNA position 1106, G replaced by T.
Protein change: p.Cys369Phe; replaces cysteine 369 with phenylalanine.
Molecular consequence: missense variant. On other transcripts: non-coding transcript variant (1).
Genome position (GRCh38, 1-based): chr5:35,876,212, G>T. VCF-style: chr5-35876212-G-T. GRCh37 (hg19) VCF-style: chr5-35876314-G-T.
Other names: c.*223G>T (NM_001410734.1); short protein forms C369F.
Identifiers: ClinVar variation 1997949 (VCV001997949.1), dbSNP rs758381888, ClinGen allele CA3232200.
Genomic context (GRCh38, chr5:35,876,212, plus strand): 5'-GCCCATCTGAGGATGTAGTCATCACTCCAGAAAGCTTTGGAAGAGATTCATCCCTCACAT[G>T]CCTGGCTGGGAATGTCAGTGCATGTGACGCCCCTATTCTCTCCTCTTCCAGGTCCCTAGA-3'
Protein context (NP_002176.2, residues 359-379): ESFGRDSSLT[Cys369Phe]LAGNVSACDA